The following is an entry in ClinVar:

ClinVar aggregate classification (germline): Uncertain significance (1 of 4 stars; one submission).

Submission:

Labcorp Genetics (formerly Invitae), Labcorp
Classification: Uncertain significance. Last evaluated: 2021-06-12. Review status: criteria provided, single submitter. Criteria: Invitae Variant Classification Sherloc (09022015). Collection method: clinical testing. Allele origin: germline.
Comment: This variant has not been reported in the literature in individuals with COX14-related conditions. Algorithms developed to predict the effect of missense changes on protein structure and function (SIFT, PolyPhen-2, Align-GVGD) all suggest that this variant is likely to be disruptive, but these predictions have not been confirmed by published functional studies and their clinical significance is uncertain. In summary, the available evidence is currently insufficient to determine the role of this variant in disease. Therefore, it has been classified as a Variant of Uncertain Significance. This variant is not present in population databases (ExAC no frequency). This sequence change replaces threonine with isoleucine at codon 23 of the COX14 protein (p.Thr23Ile). The threonine residue is highly conserved and there is a moderate physicochemical difference between threonine and isoleucine.

NM_032901.4(COX14):c.68C>T (p.Thr23Ile)

Gene: COX14 (cytochrome c oxidase assembly factor COX14; plus strand). Cytogenetic location: 12q13.12.
Variant type: single nucleotide variant.
Coding change: c.68C>T on transcript NM_032901.4 (MANE Select); coding-DNA position 68, C replaced by T.
Protein change: p.Thr23Ile; replaces threonine 23 with isoleucine.
Molecular consequence: missense variant.
Genome position (GRCh38, 1-based): chr12:50,120,111, C>T. VCF-style: chr12-50120111-C-T. GRCh37 (hg19) VCF-style: chr12-50513894-C-T.
Other names: c.68C>T, p.Thr23Ile (NM_001257133.2, NM_001257134.2); short protein forms T23I.
Identifiers: ClinVar variation 1346928 (VCV001346928.8), dbSNP rs2137948269, ClinGen allele CA384807941.